The following is an entry in ClinVar:

ClinVar aggregate classification (germline): Uncertain significance. Review status: criteria provided, multiple submitters, no conflicts (2 of 4 stars). 4 submissions from 3 submitters: Uncertain significance (4). Last evaluated 2020-07-20.

Conditions:
Noonan syndrome 4 (NS4). Also called: SOS1-Related Noonan Syndrome; NOONAN SYNDROME WITH PIGMENTED VILLONODULAR SYNOVITIS. Identifiers: Orphanet 648, MedGen C1853120, MONDO:0012547, OMIM 610733.
Fibromatosis, gingival, 1 (GINGF1). Identifiers: Orphanet 2024, MedGen C4551558, MONDO:0007609, OMIM 135300.

gnomAD v4.1: 1 of 1,613,976 alleles (0.000062%); highest among the groups gnomAD compares: Admixed American, 0.0017%; no homozygotes.

Submissions (4):

AiLife Diagnostics
Classification: Uncertain significance. Last evaluated: 2020-07-20. Review status: criteria provided, single submitter. Criteria: ACMG Guidelines, 2015. Collection method: clinical testing. Allele origin: germline. Affected: yes. Observed: 1 variant allele.

Women's Health and Genetics/Laboratory Corporation of America, LabCorp
Classification: Uncertain significance. Last evaluated: 2017-02-06. Review status: criteria provided, single submitter. Criteria: LabCorp Variant Classification Summary - May 2015. Collection method: clinical testing. Allele origin: germline.
Comment: Variant summary: : The SOS1 c.3857C>G (p.Ser1286Cys) variant involves the alteration of a conserved nucleotide and is predicted to be damaging by 3/5 in silico tools. The variant is located outside of some commonly known domains in the SOS1 protein (InterPro). This variant is absent in 121374 control chromosomes from ExAC. The variant of interest has not, to our knowledge, been reported in affected individuals via publications and/or reputable databases/clinical diagnostic laboratories, nor evaluated for functional impact by in vivo/vitro studies. Another missense variant in the same residue, p.Ser1286Phe, has been classified as likely benign by a clinical lab in CinVar. Because of the absence of clinical information and the lack of functional studies, the variant is classified as a variant of uncertain significance (VUS) until additional information becomes available.

Genome-Nilou Lab
Classification: Uncertain significance for Noonan syndrome 4. Review status: criteria provided, single submitter. Criteria: ACMG Guidelines, 2015. Collection method: clinical testing. Allele origin: germline.

Genome-Nilou Lab
Classification: Uncertain significance for Fibromatosis, gingival, 1. Review status: criteria provided, single submitter. Criteria: ACMG Guidelines, 2015. Collection method: clinical testing. Allele origin: germline.

NM_005633.4(SOS1):c.3857C>G (p.Ser1286Cys)

Gene: SOS1 (SOS Ras/Rac guanine nucleotide exchange factor 1; minus strand). Cytogenetic location: 2p22.1.
Variant type: single nucleotide variant.
Coding change: c.3857C>G on transcript NM_005633.4 (MANE Select); coding-DNA position 3857, C replaced by G.
Protein change: p.Ser1286Cys; replaces serine 1286 with cysteine.
Molecular consequence: missense variant.
Genome position (GRCh38, 1-based): chr2:38,985,969, G>C on the plus strand (C>G on the coding strand, the complement: SOS1 is on the minus strand). VCF-style: chr2-38985969-G-C. GRCh37 (hg19) VCF-style: chr2-39213110-G-C.
Other names: c.3836C>G, p.Ser1279Cys (NM_001382394.1); c.3812C>G, p.Ser1271Cys (NM_001382395.1); short protein forms S1286C, S1271C, S1279C.
Identifiers: ClinVar variation 496307 (VCV000496307.3), dbSNP rs374341202, ClinGen allele CA346362171.